The following is an entry in ClinVar:

ClinVar aggregate classification (germline): Benign/Likely benign. Review status: criteria provided, multiple submitters, no conflicts (2 of 4 stars). 6 submissions from 6 submitters: Benign (5); Likely benign (1). Last evaluated 2026-01-14.

Allele frequency attached by ClinVar (database versions not stated): 1000 Genomes Project 0.00559; 1000 Genomes Project 30x 0.00656; TOPMed 0.00667; ESP Exome Variant Server 0.00669.
gnomAD v4.1: 1,792 of 1,613,590 alleles (0.11%); highest among the groups gnomAD compares: African/African-American, 2.1%; 22 homozygotes.

Submissions (6):

Labcorp Genetics (formerly Invitae), Labcorp
Classification: Benign. Last evaluated: 2026-01-14. Review status: criteria provided, single submitter. Criteria: Invitae Variant Classification Sherloc (09022015). Collection method: clinical testing. Allele origin: germline.

Blueprint Genetics
Classification: Likely benign. Last evaluated: 2024-10-09. Review status: criteria provided, single submitter. Criteria: ACMG Guidelines, 2015. Collection method: clinical testing. Allele origin: germline.

Athena Diagnostics
Classification: Benign. Last evaluated: 2018-11-14. Review status: criteria provided, single submitter. Criteria: Athena Diagnostics Criteria. Collection method: clinical testing. Allele origin: germline.

GeneDx
Classification: Benign. Last evaluated: 2018-09-28. Review status: criteria provided, single submitter. Criteria: GeneDx Variant Classification Process June 2021. Collection method: clinical testing. Allele origin: germline. Affected: yes.

Laboratory for Molecular Medicine, Mass General Brigham Personalized Medicine
Classification: Benign. Last evaluated: 2014-11-24. Review status: criteria provided, single submitter. Criteria: LMM Criteria. Collection method: clinical testing. Allele origin: germline. Observed: 3 variant alleles.
Comment: Ser612Ser in exon 11 of TSPEAR: This variant is not expected to have clinical si gnificance because it does not alter an amino acid residue and is not located wi thin the splice consensus sequence. It has been identified in 2.0% (87/4406) of African American chromosomes from a broad population by the NHLBI Exome Sequenci ng Project (dbSNP rs112006551).

Breakthrough Genomics
Classification: Benign. Review status: criteria provided, single submitter. Criteria: ACMG Guidelines, 2015. Collection method: not provided. Allele origin: germline. Inheritance: Autosomal recessive inheritance. Affected: yes.

NM_144991.3(TSPEAR):c.1836G>T (p.Ser612=)

Gene: TSPEAR (thrombospondin type laminin G domain and EAR repeats; minus strand). Cytogenetic location: 21q22.3.
Variant type: single nucleotide variant.
Coding change: c.1836G>T on transcript NM_144991.3 (MANE Select); coding-DNA position 1836, G replaced by T.
Protein change: p.Ser612=; no amino-acid change (serine 612 retained).
Molecular consequence: synonymous variant.
Genome position (GRCh38, 1-based): chr21:44,504,800, C>A on the plus strand (G>T on the coding strand, the complement: TSPEAR is on the minus strand). VCF-style: chr21-44504800-C-A. GRCh37 (hg19) VCF-style: chr21-45924683-C-A.
Other names: c.1632G>T, p.Ser544= (NM_001272037.2).
Identifiers: ClinVar variation 227134 (VCV000227134.20), dbSNP rs112006551, ClinGen allele CA10056311.
Genomic context (GRCh38, chr21:44,504,800, plus strand): 5'-GCAAGGCTCTGGGAGGAGGCCGGCCTCGGCAGCTCATTACCTGTAAATAATACTGTTCAC[C>A]GAGAAGGTACGCCCATCGAAGGAGTTGGCCACCACCAGGAAATAATCTTCTCCCACCGAG-3'
Protein context (NP_659428.2, residues 602-622): VANSFDGRTF[Ser612=]VNSIIYRWQG